The following is an entry in ClinVar:

ClinVar aggregate classification (germline): Likely pathogenic. Review status: reviewed by expert panel (3 of 4 stars). 3 submissions from 3 submitters: Likely pathogenic (1). 2 of the submissions do not count toward it. Last evaluated 2025-01-03.

Conditions:
Primary pulmonary hypertension. Also called: Idiopathic pulmonary hypertension. Identifiers: MedGen C0152171.
Pulmonary hypertension, primary, 1 (PPH1). Also called: Pulmonary hypertension, familial primary, 1, with or without HHT. Identifiers: Orphanet 422, MedGen C4552070, MONDO:0024533, OMIM 178600.
Pulmonary arterial hypertension. Identifiers: Orphanet 182090, MedGen C2973725, MeSH D000081029, MONDO:0015924, HP:0002092.

Submissions (3):

Clingen Pulmonary Hypertension Variant Curation Expert Panel, ClinGen
Classification: Likely pathogenic for Pulmonary arterial hypertension. Last evaluated: 2025-01-03. Review status: reviewed by expert panel. Criteria: ClinGen PH ACMG Specifications BMPR2 V1.1.0. Collection method: curation. Allele origin: germline. Inheritance: Autosomal dominant inheritance.
Comment: The BMPR2 c.1228G>A variant is a missense variant predicted to cause a glycine to arginine substitution at amino acid position 410. The variant is absent from gnomAD v2.1.1 control and v4.1.0 populations (PM2_supporting). Gly410Arg is located in the catalytic kinase domain and Gly410 is a known critical residue (PM1_strong). The variant was reported in two manuscripts (PMID: 26387786 and PMID: 21737554) describing the same individual; no other probands with the variant were identified (PS4 not met). A different variant affecting the same amino acid, c.1228 G>C (p.Gly410Arg), has been reported and was classified by our expert panel as likely pathogenic (PS1_moderate). Other pathogenic missense variants causing a different amino acid change at the same residue have not been reported (PM5 is not met). The REVEL score is 0.984, which meets the ClinGen Pulmonary Hypertension VCEP pathogenicity threshold of >=0.75 (PP3 met, BP4 not met). Criteria not evaluated included PP1, PM6, and PS2 due to the absence of segregation data. Functional data was not available (BS3 and PS3 not evaluated). In summary, this variant meets the criteria to be classified as likely pathogenic (LP) for pulmonary arterial hypertension based on the ACMG/AMP criteria applied, as specified by the ClinGen Pulmonary Hypertension VCEP: PS1_moderate, PM1_strong, PM2_supporting, and PP3 (VCEP specification version 1.1, 1/18/2024).

Labcorp Genetics (formerly Invitae), Labcorp
Classification: Uncertain significance for Primary pulmonary hypertension. Last evaluated: 2025-06-09. Review status: criteria provided, single submitter. Criteria: Invitae Variant Classification Sherloc (09022015). Collection method: clinical testing. Allele origin: germline. Not counted in ClinVar's aggregate classification.
Comment: This sequence change replaces glycine, which is neutral and non-polar, with arginine, which is basic and polar, at codon 410 of the BMPR2 protein (p.Gly410Arg). This variant is not present in population databases (gnomAD no frequency). This missense change has been observed in individuals with pulmonary arterial hypertension (PMID: 21737554, 29650961). ClinVar contains an entry for this variant (Variation ID: 425897). Invitae Evidence Modeling of protein sequence and biophysical properties (such as structural, functional, and spatial information, amino acid conservation, physicochemical variation, residue mobility, and thermodynamic stability) indicates that this missense variant is expected to disrupt BMPR2 protein function with a positive predictive value of 80%. Algorithms developed to predict the effect of sequence changes on RNA splicing suggest that this variant may disrupt the consensus splice site. This variant disrupts the p.Gly410 amino acid residue in BMPR2. Other variant(s) that disrupt this residue have been observed in individuals with BMPR2-related conditions (PMID: 30578397), which suggests that this may be a clinically significant amino acid residue. In summary, the available evidence is currently insufficient to determine the role of this variant in disease. Therefore, it has been classified as a Variant of Uncertain Significance.

Rare Disease Genomics Group, St George's University of London
Classification: Pathogenic for Primary pulmonary hypertension. Review status: no assertion criteria provided. Collection method: literature only. Allele origin: germline. Affected: yes. Not counted in ClinVar's aggregate classification.

Literature cited by the submitters: PubMed 21737554 (cited by Labcorp Genetics (formerly Invitae), Labcorp and Rare Disease Genomics Group, St George's University of London); PubMed 29650961 (cited by Labcorp Genetics (formerly Invitae), Labcorp); PubMed 30578397 (cited by Labcorp Genetics (formerly Invitae), Labcorp).

NM_001204.7(BMPR2):c.1228G>A (p.Gly410Arg)

Gene: BMPR2 (bone morphogenetic protein receptor type 2; plus strand). Cytogenetic location: 2q33.2.
Variant type: single nucleotide variant.
Coding change: c.1228G>A on transcript NM_001204.7 (MANE Select); coding-DNA position 1228, G replaced by A.
Protein change: p.Gly410Arg; replaces glycine 410 with arginine.
Molecular consequence: missense variant.
Genome position (GRCh38, 1-based): chr2:202,532,684, G>A. VCF-style: chr2-202532684-G-A. GRCh37 (hg19) VCF-style: chr2-203397407-G-A.
Other names: NM_001204.7(BMPR2):c.1228G>A; p.Gly410Arg; c.1228G>A (LRG_712t1); short protein forms G410R.
Identifiers: ClinVar variation 425897 (VCV000425897.3), dbSNP rs1085307316, ClinGen allele CA350341903.